The following is an entry in ClinVar:

ClinVar aggregate classification (germline): Uncertain significance. Review status: criteria provided, multiple submitters, no conflicts (2 of 4 stars). 4 submissions from 4 submitters: Uncertain significance (3). 1 of the submissions does not count toward it. Last evaluated 2025-01-20.

Conditions:
Inborn genetic diseases. Identifiers: MedGen C0950123, MeSH D030342.
Nemaline myopathy 2 (NEM2). Also called: Nemaline myopathy 2, autosomal recessive. Identifiers: MedGen C1850569, MONDO:0009725, OMIM 256030.

Allele frequency attached by ClinVar (database versions not stated): gnomAD exomes below 0.00001 and 0.00004; TOPMed below 0.00001; gnomAD 0.00001.
gnomAD v4.1: 63 of 1,608,178 alleles (0.0039%); highest among the groups gnomAD compares: Non-Finnish European, 0.0054%; no homozygotes.

Submissions (4):

Ambry Genetics
Classification: Uncertain significance for Inborn genetic diseases. Last evaluated: 2025-01-20. Review status: criteria provided, single submitter. Criteria: Ambry Variant Classification Scheme 2023. Collection method: clinical testing. Allele origin: germline.

Mayo Clinic Laboratories, Mayo Clinic
Classification: Uncertain significance. Last evaluated: 2021-09-14. Review status: criteria provided, single submitter. Criteria: ACMG Guidelines, 2015. Collection method: clinical testing. Allele origin: germline.

Labcorp Genetics (formerly Invitae), Labcorp
Classification: Uncertain significance for Nemaline myopathy 2. Last evaluated: 2021-08-30. Review status: criteria provided, single submitter. Criteria: Invitae Variant Classification Sherloc (09022015). Collection method: clinical testing. Allele origin: germline.
Comment: This sequence change replaces histidine with arginine at codon 6438 of the NEB protein (p.His6438Arg). The histidine residue is weakly conserved and there is a small physicochemical difference between histidine and arginine. This variant is not present in population databases (ExAC no frequency). This variant has not been reported in the literature in individuals affected with NEB-related conditions. Algorithms developed to predict the effect of missense changes on protein structure and function output the following: SIFT: "Tolerated"; PolyPhen-2: "Not Available"; Align-GVGD: "Class C0". The arginine amino acid residue is found in multiple mammalian species, which suggests that this missense change does not adversely affect protein function. In summary, the available evidence is currently insufficient to determine the role of this variant in disease. Therefore, it has been classified as a Variant of Uncertain Significance.

Natera, Inc.
Classification: Uncertain significance for Nemaline myopathy type 2. Last evaluated: 2020-04-04. Review status: no assertion criteria provided. Collection method: clinical testing. Allele origin: germline. Not counted in ClinVar's aggregate classification.

NM_001164508.2(NEB):c.19313A>G (p.His6438Arg)

Gene: NEB (nebulin; minus strand). Cytogenetic location: 2q23.3.
Variant type: single nucleotide variant.
Coding change: c.19313A>G on transcript NM_001164508.2 (MANE Select); coding-DNA position 19313, A replaced by G.
Protein change: p.His6438Arg; replaces histidine 6438 with arginine.
Molecular consequence: missense variant.
Genome position (GRCh38, 1-based): chr2:151,560,593, T>C on the plus strand (A>G on the coding strand, the complement: NEB is on the minus strand). VCF-style: chr2-151560593-T-C. GRCh37 (hg19) VCF-style: chr2-152417107-T-C.
Other names: p.His4737Arg; c.19313A>G, p.His6438Arg (NM_001164507.2, NM_001271208.2); c.14210A>G, p.His4737Arg (NM_004543.5); c.14210A>G (NM_004543.4); short protein forms H4737R, H6438R.
Identifiers: ClinVar variation 971591 (VCV000971591.15), dbSNP rs1015281617, ClinGen allele CA57652765.
Genomic context (GRCh38, chr2:151,560,593, plus strand): 5'-GTGGAGAGCAGGGGAGGGGAGGGAGGGTGGGAAAGCTGTCATGTTTTTGCTTTACTTACA[T>C]GGCTGGCCAGATGCTTCTGGTTCTTGGCGTGTGTCAGGGACAAGGTGCTGGAAGGCAGGA-3'
Protein context (NP_001157980.2, residues 6428-6448): HAKNQKHLAS[His6438Arg]IKYREEYEKF